The following is an entry in ClinVar:

NM_201384.3(PLEC):c.6148G>A (p.Glu2050Lys)

Gene: PLEC (plectin; minus strand). Cytogenetic location: 8q24.3.
Variant type: single nucleotide variant.
Coding change: c.6148G>A on transcript NM_201384.3 (MANE Select); coding-DNA position 6148, G replaced by A.
Protein change: p.Glu2050Lys; replaces glutamic acid 2050 with lysine.
Molecular consequence: missense variant.
Genome position (GRCh38, 1-based): chr8:143,923,781, C>T on the plus strand (G>A on the coding strand, the complement: PLEC is on the minus strand). VCF-style: chr8-143923781-C-T. GRCh37 (hg19) VCF-style: chr8-144997949-C-T.
Other names: c.6229G>A, p.Glu2077Lys (NM_000445.5); c.6106G>A, p.Glu2036Lys (NM_201378.4); c.6082G>A, p.Glu2028Lys (NM_201379.3); c.6559G>A, p.Glu2187Lys (NM_201380.4); c.6052G>A, p.Glu2018Lys (NM_201381.3); c.6148G>A, p.Glu2050Lys (NM_201382.4); c.6160G>A, p.Glu2054Lys (NM_201383.3); short protein forms E2018K, E2077K, E2187K, E2028K, E2036K, E2050K, E2054K.
Identifiers: ClinVar variation 1495255 (VCV001495255.6), dbSNP rs1554694169, ClinGen allele CA372538650.
Genomic context (GRCh38, chr8:143,923,781, plus strand): 5'-GCAGCGTCTGCTGTAGCTCCTGCTCCTTCTGCTGCACCGCGAAGGCGTGTGCCTTCTCTT[C>T]CGCCTGCAGCCGCTTCTGGGCGGCCTCCTGGGCCAGCTGCAGCTGCCGCGCCGACTCCTG-3'
Protein context (NP_958786.1, residues 2040-2060): QEAAQKRLQA[Glu2050Lys]EKAHAFAVQQ

ClinVar aggregate classification (germline): Uncertain significance (1 of 4 stars; one submission).

Conditions:
Epidermolysis bullosa simplex 5B, with muscular dystrophy (EBS5B). Also called: Epidermolysis bullosa simplex with muscular dystrophy; EPIDERMOLYSIS BULLOSA SIMPLEX AND LIMB-GIRDLE MUSCULAR DYSTROPHY. Identifiers: Orphanet 257, MedGen C2931072, MONDO:0009181, OMIM 226670.
Autosomal recessive limb-girdle muscular dystrophy type 2Q (LGMDR17). Also called: MUSCULAR DYSTROPHY, LIMB-GIRDLE, AUTOSOMAL RECESSIVE 17. Identifiers: Orphanet 254361, MedGen C3150989, MONDO:0013390, OMIM 613723.
Epidermolysis bullosa simplex with nail dystrophy (EBS5D). Identifiers: MedGen C4225309, MONDO:0014661, OMIM 616487.
Epidermolysis bullosa simplex 5C, with pyloric atresia (EBS5C). Also called: Epidermolysis bullosa simplex with pyloric atresia; PLEC-Related Epidermolysis Bullosa with Pyloric Atresia; PLEC1-Related Epidermolysis Bullosa with Pyloric Atresia. Identifiers: Orphanet 158684, MedGen C2677349, MONDO:0012807, OMIM 612138.
Epidermolysis bullosa simplex, Ogna type (EBS5A). Also called: EPIDERMOLYSIS BULLOSA SIMPLEX 5A, OGNA TYPE; Pidermolysis bullosa simplex 5A, Ogna type. Identifiers: Orphanet 79401, MedGen C0432317, MONDO:0007555, OMIM 131950.

Submission:

Labcorp Genetics (formerly Invitae), Labcorp
Classification: Uncertain significance for Autosomal recessive limb-girdle muscular dystrophy type 2Q; Epidermolysis bullosa simplex, Ogna type; Epidermolysis bullosa simplex with nail dystrophy; Epidermolysis bullosa simplex 5C, with pyloric atresia; Epidermolysis bullosa simplex 5B, with muscular dystrophy. Last evaluated: 2021-10-08. Review status: criteria provided, single submitter. Criteria: Invitae Variant Classification Sherloc (09022015). Collection method: clinical testing. Allele origin: germline.
Comment: Algorithms developed to predict the effect of missense changes on protein structure and function are either unavailable or do not agree on the potential impact of this missense change (SIFT: "Deleterious"; PolyPhen-2: "Benign"; Align-GVGD: "Class C0"). The frequency data for this variant in the population databases is considered unreliable, as metrics indicate insufficient coverage at this position in the ExAC database. This variant has not been reported in the literature in individuals affected with PLEC-related conditions. In summary, the available evidence is currently insufficient to determine the role of this variant in disease. Therefore, it has been classified as a Variant of Uncertain Significance. This sequence change replaces glutamic acid with lysine at codon 2077 of the PLEC protein (p.Glu2077Lys). The glutamic acid residue is highly conserved and there is a small physicochemical difference between glutamic acid and lysine.